The following is an entry in ClinVar:

ClinVar aggregate classification (germline): Uncertain significance. Review status: criteria provided, multiple submitters, no conflicts (2 of 4 stars). 2 submissions from 2 submitters: Uncertain significance (2). Last evaluated 2026-04-28.

Conditions:
Hereditary cancer-predisposing syndrome. Also called: Neoplastic Syndromes, Hereditary; Tumor predisposition; Hereditary Cancer Syndrome; Hereditary neoplastic syndrome. Identifiers: Orphanet 140162, MedGen C0027672, MeSH D009386, MONDO:0015356.
Tuberous sclerosis 1 (TSC1). Identifiers: Orphanet 805, MedGen C1854465, MONDO:0008612, OMIM 191100.

Submissions (2):

Ambry Genetics
Classification: Uncertain significance for Hereditary cancer-predisposing syndrome. Last evaluated: 2026-04-28. Review status: criteria provided, single submitter. Criteria: Ambry Variant Classification Scheme 2023. Collection method: clinical testing. Allele origin: germline.
Comment: The p.D476N variant (also known as c.1426G>A), located in coding exon 12 of the TSC1 gene, results from a G to A substitution at nucleotide position 1426. The aspartic acid at codon 476 is replaced by asparagine, an amino acid with highly similar properties. This amino acid position is conserved. In addition, this alteration is predicted to be tolerated by in silico analysis. Based on the available evidence, the clinical significance of this variant remains unclear.

Labcorp Genetics (formerly Invitae), Labcorp
Classification: Uncertain significance for Tuberous sclerosis 1. Last evaluated: 2023-11-17. Review status: criteria provided, single submitter. Criteria: Invitae Variant Classification Sherloc (09022015). Collection method: clinical testing. Allele origin: germline.
Comment: This sequence change replaces aspartic acid, which is acidic and polar, with asparagine, which is neutral and polar, at codon 476 of the TSC1 protein (p.Asp476Asn). This variant is not present in population databases (gnomAD no frequency). This variant has not been reported in the literature in individuals affected with TSC1-related conditions. ClinVar contains an entry for this variant (Variation ID: 2052754). Advanced modeling of protein sequence and biophysical properties (such as structural, functional, and spatial information, amino acid conservation, physicochemical variation, residue mobility, and thermodynamic stability) performed at Invitae indicates that this missense variant is not expected to disrupt TSC1 protein function with a negative predictive value of 95%. In summary, the available evidence is currently insufficient to determine the role of this variant in disease. Therefore, it has been classified as a Variant of Uncertain Significance.

NM_000368.5(TSC1):c.1426G>A (p.Asp476Asn)

Gene: TSC1 (TSC complex subunit 1; minus strand). Cytogenetic location: 9q34.13.
Variant type: single nucleotide variant.
Coding change: c.1426G>A on transcript NM_000368.5 (MANE Select); coding-DNA position 1426, G replaced by A.
Protein change: p.Asp476Asn; replaces aspartic acid 476 with asparagine.
Molecular consequence: missense variant.
Genome position (GRCh38, 1-based): chr9:132,906,743, C>T on the plus strand (G>A on the coding strand, the complement: TSC1 is on the minus strand). VCF-style: chr9-132906743-C-T. GRCh37 (hg19) VCF-style: chr9-135782130-C-T.
Other names: c.1423G>A, p.Asp475Asn (NM_001162426.2, NM_001406597.1, NM_001406598.1 and 6 more transcripts); c.1273G>A, p.Asp425Asn (NM_001162427.2, NM_001406610.1); c.1063G>A, p.Asp355Asn (NM_001362177.2, NM_001406624.1, NM_001406614.1 and 5 more transcripts); c.1426G>A, p.Asp476Asn (NM_001406592.1, NM_001406593.1, NM_001406594.1 and 7 more transcripts); c.1270G>A, p.Asp424Asn (NM_001406611.1, NM_001406612.1, NM_001406613.1); c.1060G>A, p.Asp354Asn (NM_001406623.1, NM_001406625.1, NM_001406620.1 and 2 more transcripts); c.475G>A, p.Asp159Asn (NM_001406626.1); c.472G>A, p.Asp158Asn (NM_001406627.1, NM_001406628.1); and 1 more; short protein forms D158N, D475N, D424N, D425N, D125N, D476N, D159N, D354N.
Identifiers: ClinVar variation 2052754 (VCV002052754.5), dbSNP rs2538766422, ClinGen allele CA375365796.